The following is an entry in ClinVar:

ClinVar aggregate classification (germline): Uncertain significance (1 of 4 stars; one submission).

Conditions:
Cone-rod dystrophy 2 (CORD2). Also called: CONE-ROD RETINAL DYSTROPHY; Cone-rod retinal dystrophy 2. Identifiers: Orphanet 1872, MedGen C3489532, MONDO:0007362, OMIM 120970.
Leber congenital amaurosis 7 (LCA7). Identifiers: Orphanet 65, MedGen C3151192, MONDO:0013449, OMIM 613829.

gnomAD v4.1: 5 of 1,614,180 alleles (0.00031%); highest among the groups gnomAD compares: Non-Finnish European, 0.00042%; no homozygotes.

Submission:

Labcorp Genetics (formerly Invitae), Labcorp
Classification: Uncertain significance for Cone-rod dystrophy 2; Leber congenital amaurosis 7. Last evaluated: 2022-10-18. Review status: criteria provided, single submitter. Criteria: Invitae Variant Classification Sherloc (09022015). Collection method: clinical testing. Allele origin: germline.
Comment: In summary, the available evidence is currently insufficient to determine the role of this variant in disease. Therefore, it has been classified as a Variant of Uncertain Significance. This variant disrupts the p.Arg69 amino acid residue in CRX. Other variant(s) that disrupt this residue have been observed in individuals with CRX-related conditions (PMID: 27624628; Invitae), which suggests that this may be a clinically significant amino acid residue. Algorithms developed to predict the effect of sequence changes on RNA splicing suggest that this variant may disrupt the consensus splice site. Advanced modeling of protein sequence and biophysical properties (such as structural, functional, and spatial information, amino acid conservation, physicochemical variation, residue mobility, and thermodynamic stability) performed at Invitae indicates that this missense variant is expected to disrupt CRX protein function. This variant has not been reported in the literature in individuals affected with CRX-related conditions. This variant is not present in population databases (gnomAD no frequency). This sequence change replaces arginine, which is basic and polar, with glycine, which is neutral and non-polar, at codon 69 of the CRX protein (p.Arg69Gly).

Literature cited by the submitters: PubMed 27624628.

NM_000554.6(CRX):c.205C>G (p.Arg69Gly)

Gene: CRX (cone-rod homeobox; plus strand). Cytogenetic location: 19q13.33.
Variant type: single nucleotide variant.
Coding change: c.205C>G on transcript NM_000554.6 (MANE Select); coding-DNA position 205, C replaced by G.
Protein change: p.Arg69Gly; replaces arginine 69 with glycine.
Molecular consequence: missense variant.
Genome position (GRCh38, 1-based): chr19:47,836,347, C>G. VCF-style: chr19-47836347-C-G. GRCh37 (hg19) VCF-style: chr19-48339604-C-G.
Other names: short protein forms R69G.
Identifiers: ClinVar variation 2140522 (VCV002140522.4), dbSNP rs771551785, ClinGen allele CA406629722.
Genomic context (GRCh38, chr19:47,836,347, plus strand): 5'-AGCCAACTGGAGGAGCTGGAGGCACTGTTTGCCAAGACCCAGTACCCAGACGTCTATGCC[C>G]GTGAGGAGGTGGCTCTGAAGATCAATCTGCCTGAGTCCAGGGTTCAGGTGGGGTGGTGGG-3'
Protein context (NP_000545.1, residues 59-79): AKTQYPDVYA[Arg69Gly]EEVALKINLP